The following is an entry in ClinVar:

ClinVar aggregate classification (germline): Pathogenic. Review status: criteria provided, multiple submitters, no conflicts (2 of 4 stars). 10 submissions from 10 submitters: Pathogenic (8). 2 of the submissions do not count toward it. Last evaluated 2025-06-24.

Conditions:
MMAA-related disorder. Also called: MMAA-related condition.
Methylmalonic acidemia (MMA). Also called: Isolated Methylmalonic Acidemia. Identifiers: MedGen C0268583, MeSH C537358, MONDO:0002012, HP:0002912.
Methylmalonic aciduria, cblA type (MACA). Also called: Vitamin B12-responsive methylmalonic acidemia type cblA; Methylmalonic aciduria, vitamin b12-responsive, due to defect in synthesis of adenosylcobalamin, cbla complementation type; MMA cbl A type; Methylmalonic acidemia cblA type; Methylmalonic aciduria, vitamin B12-responsive. Identifiers: Orphanet 28, Orphanet 79310, MedGen C1855109, MONDO:0009613, OMIM 251100.

Allele frequency attached by ClinVar (database versions not stated): gnomAD 0.00001; gnomAD exomes 0.00001; TOPMed 0.00002.
gnomAD v4.1: 39 of 1,613,664 alleles (0.0024%); highest among the groups gnomAD compares: Non-Finnish European, 0.0031%; no homozygotes.

Submissions (10):

Labcorp Genetics (formerly Invitae), Labcorp
Classification: Pathogenic for Methylmalonic aciduria, cblA type. Last evaluated: 2025-06-24. Review status: criteria provided, single submitter. Criteria: Invitae Variant Classification Sherloc (09022015). Collection method: clinical testing. Allele origin: germline.
Comment: This sequence change creates a premature translational stop signal (p.Arg196*) in the MMAA gene. It is expected to result in an absent or disrupted protein product. Loss-of-function variants in MMAA are known to be pathogenic (PMID: 15523652, 15781192). This variant is present in population databases (no rsID available, gnomAD 0.002%). This premature translational stop signal has been observed in individuals with methylmalonic acidemia (PMID: 21545677, 23711287, 25636100; internal data). ClinVar contains an entry for this variant (Variation ID: 466217). For these reasons, this variant has been classified as Pathogenic.

Natera, Inc.
Classification: Pathogenic for Methylmalonic aciduria cblA type. Last evaluated: 2024-10-08. Review status: criteria provided, single submitter. Criteria: Natera Variant Classification Schema (03/2026). Collection method: clinical testing. Allele origin: germline.
Comment: The c.586C>T variant in MMAA is a nonsense variant predicted to introduce a stop codon at amino acid 196. This variant is expected to result in nonsense mediated decay, truncation, or a dysfunctional protein product. This variant is rare in the general population with a frequency below the threshold expected for the associated phenotype(s). This variant has been observed in one or more individuals affected with the associated recessive disease, as either homozygous or compound heterozygous with a second variant (PMID: 21545677, 24059531, 28497574, 16247646). Given the available evidence, this variant is classified as Pathogenic.

Genomic Medicine Center of Excellence, King Faisal Specialist Hospital and Research Centre
Classification: Pathogenic for Methylmalonic aciduria, cblA type. Last evaluated: 2024-03-17. Review status: criteria provided, single submitter. Criteria: ACMG Guidelines, 2015. Collection method: research. Allele origin: germline.

Baylor Genetics
Classification: Pathogenic for Methylmalonic aciduria, cblA type. Last evaluated: 2023-12-20. Review status: criteria provided, single submitter. Criteria: ACMG Guidelines, 2015. Collection method: clinical testing. Allele origin: unknown.

GeneDx
Classification: Pathogenic. Last evaluated: 2023-09-01. Review status: criteria provided, single submitter. Criteria: GeneDx Variant Classification Process June 2021. Collection method: clinical testing. Allele origin: germline. Affected: yes.
Comment: Nonsense variant predicted to result in protein truncation or nonsense mediated decay in a gene for which loss-of-function is a known mechanism of disease; Not observed at significant frequency in large population cohorts (gnomAD); This variant is associated with the following publications: (PMID: 27629047, 29996803, 34670123, 25567501, 23711287, 25636100, 16247646, 31622506, 33726816, 32754920, 33453710, 21545677)

Blueprint Genetics
Classification: Pathogenic for MMAA-related disorders. Last evaluated: 2023-08-30. Review status: criteria provided, single submitter. Criteria: ACMG Guidelines, 2015. Collection method: clinical testing. Allele origin: germline. Affected: yes. Observed: 3 variant alleles.

Centre for Inherited Metabolic Diseases, Karolinska University Hospital
Classification: Pathogenic for Methylmalonic aciduria, cblA type. Last evaluated: 2021-04-07. Review status: criteria provided, single submitter. Criteria: ACMG Guidelines, 2015. Collection method: clinical testing. Allele origin: germline. Inheritance: Autosomal recessive inheritance. Affected: yes. Observed: 1 homozygote.

Women's Health and Genetics/Laboratory Corporation of America, LabCorp
Classification: Pathogenic for Methylmalonic acidemia. Last evaluated: 2019-04-08. Review status: criteria provided, single submitter. Criteria: LabCorp Variant Classification Summary - May 2015. Collection method: clinical testing. Allele origin: germline.
Comment: Variant summary: MMAA c.586C>T (p.Arg196X) results in a premature termination codon, predicted to cause a truncation of the encoded protein or absence of the protein due to nonsense mediated decay, which are commonly known mechanisms for disease. The variant allele was found at a frequency of 8.1e-06 in 246142 control chromosomes (gnomAD). c.586C>T has been reported in the literature in multiple homozygous and compound heterozygous individuals affected with Methylmalonic Acidemia (Plessl_2017, Sun_2015, Lubrano_2013, Nizon_2013). These data indicate that the variant is very likely to be associated with disease. At least one publication evaluated patient derived fibroblasts and demonstrated severely decreased enzyme activity values in homozygotes (Plessl 2017). Two ClinVar submissions from clinical diagnostic laboratories (evaluation after 2014) cite the variant as pathogenic. Based on the evidence outlined above, the variant was classified as pathogenic.

Biochemical Molecular Genetic Laboratory, King Abdulaziz Medical City
Classification: Pathogenic for Methylmalonic aciduria, cblA type. Last evaluated: 2020-02-05. Review status: no assertion criteria provided. Collection method: clinical testing. Allele origin: germline. Affected: yes. Not counted in ClinVar's aggregate classification.

Counsyl
Classification: Pathogenic for Methylmalonic aciduria, cblA type. Last evaluated: 2017-09-01. Review status: no assertion criteria provided. Collection method: clinical testing. Allele origin: unknown. Not counted in ClinVar's aggregate classification.

Literature cited by the submitters: PubMed 15523652 (cited by Labcorp Genetics (formerly Invitae), Labcorp); PubMed 15781192 (cited by Labcorp Genetics (formerly Invitae), Labcorp); PubMed 21545677 (cited by 3 submitters); PubMed 23711287 (cited by Labcorp Genetics (formerly Invitae), Labcorp and Women's Health and Genetics/Laboratory Corporation of America, LabCorp); PubMed 25636100 (cited by Labcorp Genetics (formerly Invitae), Labcorp and Women's Health and Genetics/Laboratory Corporation of America, LabCorp); PubMed 24059531 (cited by Natera, Inc. and Women's Health and Genetics/Laboratory Corporation of America, LabCorp); PubMed 28497574 (cited by Natera, Inc. and Women's Health and Genetics/Laboratory Corporation of America, LabCorp); PubMed 16247646 (cited by Natera, Inc. and Counsyl).

NM_172250.3(MMAA):c.586C>T (p.Arg196Ter)

Gene: MMAA (metabolism of cobalamin associated A; plus strand). Cytogenetic location: 4q31.21.
Variant type: single nucleotide variant.
Coding change: c.586C>T on transcript NM_172250.3 (MANE Select); coding-DNA position 586, C replaced by T.
Protein change: p.Arg196Ter; replaces arginine 196 with a stop codon.
Molecular consequence: nonsense.
Genome position (GRCh38, 1-based): chr4:145,646,009, C>T. VCF-style: chr4-145646009-C-T. GRCh37 (hg19) VCF-style: chr4-146567161-C-T.
Other names: short protein forms R196*.
Identifiers: ClinVar variation 466217 (VCV000466217.26), dbSNP rs1029096863, ClinGen allele CA107725374.